The following is an entry in ClinVar:

NM_000090.4(COL3A1):c.1472G>C (p.Arg491Pro)

Gene: COL3A1 (collagen type III alpha 1 chain; plus strand). Cytogenetic location: 2q32.2.
Variant type: single nucleotide variant.
Coding change: c.1472G>C on transcript NM_000090.4 (MANE Select); coding-DNA position 1472, G replaced by C.
Protein change: p.Arg491Pro; replaces arginine 491 with proline.
Molecular consequence: missense variant.
Genome position (GRCh38, 1-based): chr2:188,995,062, G>C. VCF-style: chr2-188995062-G-C. GRCh37 (hg19) VCF-style: chr2-189859788-G-C.
Other names: short protein forms R491P.
Identifiers: ClinVar variation 2775107 (VCV002775107.2), dbSNP rs774551212, ClinGen allele CA349852000.
Genomic context (GRCh38, chr2:188,995,062, plus strand): 5'-TTGAAATCCTTTGGACTGAAATACTTGTCTTTCATTATTTTCAGGGTGCCCCTGGGTTCC[G>C]AGGACCTGCTGGACCAAATGGCATCCCAGGAGAAAAGGTAGATAACTTTAGTTTCTATGT-3'
Protein context (NP_000081.2, residues 481-501): AAGERGAPGF[Arg491Pro]GPAGPNGIPG

ClinVar aggregate classification (germline): Uncertain significance (1 of 4 stars; one submission).

Conditions:
Familial thoracic aortic aneurysm and aortic dissection (TAAD). Also called: Thoracic aortic aneurysms and dissections. Identifiers: Orphanet 91387, MedGen C4707243, MONDO:0019625.

gnomAD v4.1: 1 of 1,614,020 alleles (0.000062%); highest among the groups gnomAD compares: East Asian, 0.0022%; no homozygotes.

Submission:

Color Diagnostics, LLC DBA Color Health
Classification: Uncertain significance for Familial thoracic aortic aneurysm and aortic dissection. Last evaluated: 2024-03-07. Review status: criteria provided, single submitter. Criteria: ACMG Guidelines, 2015. Collection method: clinical testing. Allele origin: germline.
Comment: This missense variant replaces arginine with proline at codon 491 of the COL3A1 protein. Computational prediction suggests that this variant may not impact protein structure and function (internally defined REVEL score threshold <= 0.5, PMID: 27666373). To our knowledge, functional studies have not been reported for this variant. This variant has not been reported in individuals affected with cardiovascular disorders in the literature. This variant has not been identified in the general population by the Genome Aggregation Database (gnomAD). The available evidence is insufficient to determine the role of this variant in disease conclusively. Therefore, this variant is classified as a Variant of Uncertain Significance.